The following is an entry in ClinVar:

ClinVar aggregate classification (germline): Pathogenic. Review status: criteria provided, single submitter (1 of 4 stars). 2 submissions from 2 submitters: Pathogenic (1). 1 of the submissions does not count toward it. Last evaluated 2024-02-13.

Conditions:
Action myoclonus-renal failure syndrome. Also called: SCARB2-Related Action Myoclonus-Renal Failure Syndrome; MYOCLONUS-NEPHROPATHY SYNDROME; EPILEPSY, PROGRESSIVE MYOCLONIC, 4, WITH RENAL FAILURE; EPILEPSY, PROGRESSIVE MYOCLONIC, 4, WITHOUT RENAL FAILURE. Identifiers: Orphanet 163696, MedGen C0751779, MeSH D020191, MONDO:0009699, OMIM 254900.
Progressive myoclonic epilepsy. Also called: Familial progressive myoclonic epilepsy; Myoclonic Epilepsies, Progressive; Progressive myoclonus epilepsy; Myoclonus epilepsy. Identifiers: Orphanet 308, Orphanet 98261, MedGen C0751778, MONDO:0020074.

Submissions (2):

Labcorp Genetics (formerly Invitae), Labcorp
Classification: Pathogenic for Progressive myoclonic epilepsy. Last evaluated: 2024-02-13. Review status: criteria provided, single submitter. Criteria: Invitae Variant Classification Sherloc (09022015). Collection method: clinical testing. Allele origin: germline.
Comment: This sequence change creates a premature translational stop signal (p.Tyr222*) in the SCARB2 gene. It is expected to result in an absent or disrupted protein product. Loss-of-function variants in SCARB2 are known to be pathogenic (PMID: 19847901). This variant is not present in population databases (gnomAD no frequency). This premature translational stop signal has been observed in individual(s) with progressive myoclonic epilepsy (PMID: 19847901). ClinVar contains an entry for this variant (Variation ID: 268138). Algorithms developed to predict the effect of sequence changes on RNA splicing suggest that this variant may disrupt the consensus splice site. For these reasons, this variant has been classified as Pathogenic.

GeneReviews
Classification: Pathogenic for Action myoclonus-renal failure syndrome. Last evaluated: 2015-03-05. Review status: no assertion criteria provided. Collection method: literature only. Allele origin: germline. Affected: yes. Not counted in ClinVar's aggregate classification.

Literature cited by the submitters: PubMed 19847901 (cited by Labcorp Genetics (formerly Invitae), Labcorp and GeneReviews); PubMed 22032306 (cited by GeneReviews).

NM_005506.4(SCARB2):c.666_670del (p.Tyr222_Asn224delinsTer)

Gene: SCARB2 (scavenger receptor class B member 2; minus strand). Cytogenetic location: 4q21.1.
Variant type: Deletion.
Coding change: c.666_670del on transcript NM_005506.4 (MANE Select); coding-DNA positions 666 to 670, 5 bases deleted (CCTTA; older notation c.666_670delCCTTA).
Protein change: p.Tyr222_Asn224delinsTer.
Molecular consequence: nonsense. On other transcripts: intron variant (1).
Genome position (GRCh38, 1-based): chr4:76,176,471-76,176,475, TAAGG deleted on the plus strand (CCTTA on the coding strand, the reverse complement: SCARB2 is on the minus strand); deleting any 5 consecutive bases within chr4:76,176,471-76,176,478 gives the same sequence; the c. name uses the placement nearest the transcript's 3' end. VCF-style (leftmost placement, unchanged base first): chr4-76176470-TTAAGG-T. GRCh37 (hg19) VCF-style: chr4-77097623-TTAAGG-T.
Other names: c.666delCCTTA (NM_005506.3); c.276-565_276-561del (NM_001204255.2).
Identifiers: ClinVar variation 268138 (VCV000268138.4), dbSNP rs886041075, ClinGen allele CA10602681.